The following is an entry in ClinVar:

NM_001845.6(COL4A1):c.1309G>A (p.Gly437Arg)

Genes: COL4A1 (collagen type IV alpha 1 chain; minus strand), LOC126861856 (BRD4-independent group 4 enhancer GRCh37_chr13:110846747-110847946; plus strand). Cytogenetic location: 13q34.
Variant type: single nucleotide variant.
Coding change: c.1309G>A on transcript NM_001845.6 (MANE Select); coding-DNA position 1309, G replaced by A.
Protein change: p.Gly437Arg; replaces glycine 437 with arginine.
Molecular consequence: missense variant.
Genome position (GRCh38, 1-based): chr13:110,195,095, C>T on the plus strand (G>A on the coding strand, the complement: COL4A1 is on the minus strand). VCF-style: chr13-110195095-C-T. GRCh37 (hg19) VCF-style: chr13-110847442-C-T.
Other names: c.1309G>A, p.Gly437Arg (NM_001303110.2); short protein forms G437R.
Identifiers: ClinVar variation 2876854 (VCV002876854.5), dbSNP rs762937174, ClinGen allele CA7047989.
Genomic context (GRCh38, chr13:110,195,095, plus strand): 5'-TTTCGCCTATAAATCCTGGCTGCCCTGGAATTCCAGGAGGACCCTGGTCACCTGGAGGTC[C>T]GGGCTGACATTCCACAATTCCATCTGAAATTGAGTTGTCAGAGTTATAGGATCATAGCTA-3'
Protein context (NP_001836.3, residues 427-447): YTNGIVECQP[Gly437Arg]PPGDQGPPGI

ClinVar aggregate classification (germline): Uncertain significance. Review status: criteria provided, multiple submitters, no conflicts (2 of 4 stars). 2 submissions from 2 submitters: Uncertain significance (2). Last evaluated 2025-11-12.

Conditions:
Brain small vessel disease 1 with or without ocular anomalies (BSVD1). Also called: Brain small vessel disease with or without ocular anomalies; PORENCEPHALY, TYPE 1, AUTOSOMAL DOMINANT; BRAIN SMALL VESSEL DISEASE WITH HEMORRHAGE; GOULD SYNDROME 1. Identifiers: Orphanet 2940, Orphanet 36383, Orphanet 99810, MedGen C4755307, MONDO:0008289, OMIM 175780.

Allele frequency attached by ClinVar (database versions not stated): gnomAD exomes 0.00001; ExAC 0.00002; TOPMed 0.00001; gnomAD 0.00003.
gnomAD v4.1: 13 of 1,613,984 alleles (0.00081%); highest among the groups gnomAD compares: East Asian, 0.0022%; no homozygotes.

Submissions (2):

Dasa
Classification: Uncertain significance for brain small vessel disease 1 with or without ocular anomalies. Last evaluated: 2025-11-12. Review status: criteria provided, single submitter. Criteria: DASA Assertion Criteria. Collection method: clinical testing. Allele origin: germline.
Comment: NM_001845.6(COL4A1):c.1309G>A (p.Gly437Arg) is a missense variant that results in the substitution of glycine with arginine. This variant is rare in population databases. Computational prediction algorithms are consistent with a deleterious effect. The currently available literature and clinical evidence are not sufficient to establish a definitive association between this variant and the reported condition. Therefore, this variant is classified as a variant of uncertain significance.

Labcorp Genetics (formerly Invitae), Labcorp
Classification: Uncertain significance. Last evaluated: 2025-09-02. Review status: criteria provided, single submitter. Criteria: Invitae Variant Classification Sherloc (09022015). Collection method: clinical testing. Allele origin: germline.
Comment: This sequence change replaces glycine, which is neutral and non-polar, with arginine, which is basic and polar, at codon 437 of the COL4A1 protein (p.Gly437Arg). This variant is present in population databases (rs762937174, gnomAD 0.004%). This variant has not been reported in the literature in individuals affected with COL4A1-related conditions. ClinVar contains an entry for this variant (Variation ID: 2876854). Invitae Evidence Modeling of protein sequence and biophysical properties (such as structural, functional, and spatial information, amino acid conservation, physicochemical variation, residue mobility, and thermodynamic stability) has been performed for this missense variant. However, the output from this modeling did not meet the statistical confidence thresholds required to predict the impact of this variant on COL4A1 protein function. In summary, the available evidence is currently insufficient to determine the role of this variant in disease. Therefore, it has been classified as a Variant of Uncertain Significance.